The following is an entry in ClinVar:

ClinVar aggregate classification (germline): Likely benign (0 of 4 stars; one submission).

Conditions:
PIEZO1-related disorder. Also called: PIEZO1-related condition; PIEZO1-Related Disorders.

Allele frequency attached by ClinVar (database versions not stated): gnomAD exomes below 0.00001.
gnomAD v4.1: 4 of 1,535,740 alleles (0.00026%); highest among the groups gnomAD compares: Middle Eastern, 0.017%; no homozygotes.

Submission:

PreventionGenetics, part of Exact Sciences
Classification: Likely benign for PIEZO1-related condition. Last evaluated: 2023-11-30. Review status: no assertion criteria provided. Collection method: clinical testing. Allele origin: germline.
Comment: This variant is classified as likely benign based on ACMG/AMP sequence variant interpretation guidelines (Richards et al. 2015 PMID: 25741868, with internal and published modifications).

NM_001142864.4(PIEZO1):c.2202C>T (p.Thr734=)

Genes: HSALR1 (HSP90AB1 associated lncRNA 1; plus strand), PIEZO1 (piezo type mechanosensitive ion channel component 1 (Er blood group); minus strand). Cytogenetic location: 16q24.3.
Variant type: single nucleotide variant.
Coding change: c.2202C>T on transcript NM_001142864.4 (MANE Select); coding-DNA position 2202, C replaced by T.
Protein change: p.Thr734=; no amino-acid change (threonine 734 retained).
Molecular consequence: synonymous variant.
Genome position (GRCh38, 1-based): chr16:88,734,033, G>A on the plus strand (C>T on the coding strand, the complement: PIEZO1 is on the minus strand). VCF-style: chr16-88734033-G-A. GRCh37 (hg19) VCF-style: chr16-88800441-G-A.
Other names: c.747C>T, p.Thr249= (NM_014745.1).
Identifiers: ClinVar variation 3049871 (VCV003049871.2), dbSNP rs781088727, ClinGen allele CA8232842.